The following is an entry in ClinVar:

NM_001267550.2(TTN):c.80391A>G (p.Ala26797=)

Genes: TTN (titin; minus strand), TTN-AS1 (TTN antisense RNA 1; plus strand). Cytogenetic location: 2q31.2.
Variant type: single nucleotide variant.
Coding change: c.80391A>G on transcript NM_001267550.2 (MANE Select); coding-DNA position 80391, A replaced by G.
Protein change: p.Ala26797=; no amino-acid change (alanine 26797 retained).
Molecular consequence: synonymous variant.
Genome position (GRCh38, 1-based): chr2:178,565,741, T>C on the plus strand (A>G on the coding strand, the complement: TTN is on the minus strand). VCF-style: chr2-178565741-T-C. GRCh37 (hg19) VCF-style: chr2-179430468-T-C.
Other names: c.75468A>G, p.Ala25156= (NM_001256850.1); c.53196A>G, p.Ala17732= (NM_003319.4); c.72687A>G, p.Ala24229= (NM_133378.4); c.53571A>G, p.Ala17857= (NM_133432.3); c.53772A>G, p.Ala17924= (NM_133437.4).
Identifiers: ClinVar variation 1982290 (VCV001982290.8), dbSNP rs756584357, ClinGen allele CA430251884.

ClinVar aggregate classification (germline): Likely benign. Review status: criteria provided, multiple submitters, no conflicts (2 of 4 stars). 2 submissions from 2 submitters: Likely benign (2). Last evaluated 2026-03-01.

Conditions:
Dilated cardiomyopathy 1G (CMD1G). Identifiers: Orphanet 154, MedGen C1858763, MONDO:0011400, OMIM 604145.
Autosomal recessive limb-girdle muscular dystrophy type 2J (LGMDR10). Also called: Limb-girdle muscular dystrophy, type 2J; MUSCULAR DYSTROPHY, LIMB-GIRDLE, AUTOSOMAL RECESSIVE 10. Identifiers: Orphanet 140922, MedGen C1837342, MONDO:0012127, OMIM 608807.

gnomAD v4.1: 1 of 1,613,586 alleles (0.000062%); highest among the groups gnomAD compares: Admixed American, 0.0017%; no homozygotes.

Submissions (2):

CeGaT Center for Human Genetics Tuebingen
Classification: Likely benign. Last evaluated: 2026-03-01. Review status: criteria provided, single submitter. Criteria: CeGaT Center For Human Genetics Tuebingen Variant Classification Criteria Version 2. Collection method: clinical testing. Allele origin: germline. Affected: yes. Observed: 1 variant allele.
Comment: TTN: BP4, BP7

Labcorp Genetics (formerly Invitae), Labcorp
Classification: Likely benign for Dilated cardiomyopathy 1G; Autosomal recessive limb-girdle muscular dystrophy type 2J. Last evaluated: 2023-04-28. Review status: criteria provided, single submitter. Criteria: Invitae Variant Classification Sherloc (09022015). Collection method: clinical testing. Allele origin: germline.